The following is an entry in ClinVar:

NM_002907.4(RECQL):c.557T>C (p.Leu186Pro)

Gene: RECQL (RecQ like helicase; minus strand). Cytogenetic location: 12p12.1.
Variant type: single nucleotide variant.
Coding change: c.557T>C on transcript NM_002907.4 (MANE Select); coding-DNA position 557, T replaced by C.
Protein change: p.Leu186Pro; replaces leucine 186 with proline.
Molecular consequence: missense variant.
Genome position (GRCh38, 1-based): chr12:21,483,519, A>G on the plus strand (T>C on the coding strand, the complement: RECQL is on the minus strand). VCF-style: chr12-21483519-A-G. GRCh37 (hg19) VCF-style: chr12-21636453-A-G.
Other names: c.557T>C, p.Leu186Pro (NM_032941.3); short protein forms L186P.
Identifiers: ClinVar variation 1748421 (VCV001748421.2), dbSNP rs2540375630, ClinGen allele CA384127622.

ClinVar aggregate classification (germline): Uncertain significance (1 of 4 stars; one submission).

Allele frequency attached by ClinVar (database versions not stated): gnomAD exomes below 0.00001.

Submission:

Ambry Genetics
Classification: Uncertain significance. Last evaluated: 2022-10-05. Review status: criteria provided, single submitter. Criteria: Ambry Variant Classification Scheme 2023. Collection method: clinical testing. Allele origin: germline.
Comment: The p.L186P variant (also known as c.557T>C), located in coding exon 5 of the RECQL gene, results from a T to C substitution at nucleotide position 557. The leucine at codon 186 is replaced by proline, an amino acid with similar properties. This amino acid position is conserved. In addition, this alteration is predicted to be deleterious by in silico analysis. Since supporting evidence is limited at this time, the clinical significance of this alteration remains unclear.